The following is an entry in ClinVar:

NM_001004127.3(ALG11):c.27C>T (p.Cys9=)

Genes: ALG11 (ALG11 alpha-1,2-mannosyltransferase; plus strand), LOC130009841 (ATAC-STARR-seq lymphoblastoid active region 7785; plus strand). Cytogenetic location: 13q14.3.
Variant type: single nucleotide variant.
Coding change: c.27C>T on transcript NM_001004127.3 (MANE Select); coding-DNA position 27, C replaced by T.
Protein change: p.Cys9=; no amino-acid change (cysteine 9 retained).
Molecular consequence: synonymous variant. On other transcripts: non-coding transcript variant (1).
Genome position (GRCh38, 1-based): chr13:52,012,445, C>T. VCF-style: chr13-52012445-C-T. GRCh37 (hg19) VCF-style: chr13-52586581-C-T.
Identifiers: ClinVar variation 3048083 (VCV003048083.2), dbSNP rs748982784, ClinGen allele CA6989778.
Genomic context (GRCh38, chr13:52,012,445, plus strand): 5'-TGAAGCGTTTCCTGAGTTCGGGGGTCGGCGGAAGATGGCGGCCGGCGAAAGGAGCTGGTG[C>T]CTGTGCAAGTTGTTGAGGTGAGCAGCCGGTCGTGTGGGCTCACAGACGTTTTCTCTTCTG-3'
Protein context (NP_001004127.2, residues 1-19): MAAGERSW[Cys9=]LCKLLRFFYS

ClinVar aggregate classification (germline): Likely benign (0 of 4 stars; one submission).

Conditions:
ALG11-related disorder. Also called: ALG11-related condition.

gnomAD v4.1: 56 of 1,613,968 alleles (0.0035%); highest among the groups gnomAD compares: Non-Finnish European, 0.0042%; no homozygotes.

Submission:

PreventionGenetics, part of Exact Sciences
Classification: Likely benign for ALG11-related condition. Last evaluated: 2019-03-27. Review status: no assertion criteria provided. Collection method: clinical testing. Allele origin: germline.
Comment: This variant is classified as likely benign based on ACMG/AMP sequence variant interpretation guidelines (Richards et al. 2015 PMID: 25741868, with internal and published modifications).